The following is an entry in ClinVar:

ClinVar aggregate classification (germline): Likely benign (1 of 4 stars; one submission).

Allele frequency attached by ClinVar (database versions not stated): gnomAD exomes below 0.00001.
gnomAD v4.1: 1 of 1,609,806 alleles (0.000062%); highest among the groups gnomAD compares: Non-Finnish European, 0.000085%; no homozygotes.

Submission:

CeGaT Center for Human Genetics Tuebingen
Classification: Likely benign. Last evaluated: 2023-02-01. Review status: criteria provided, single submitter. Criteria: CeGaT Center For Human Genetics Tuebingen Variant Classification Criteria Version 2. Collection method: clinical testing. Allele origin: germline. Affected: yes. Observed: 1 variant allele.
Comment: TEKT2: PM2:Supporting, BP4, BP7

NM_014466.3(TEKT2):c.1086A>C (p.Ala362=)

Gene: TEKT2 (tektin 2; plus strand). Cytogenetic location: 1p34.3.
Variant type: single nucleotide variant.
Coding change: c.1086A>C on transcript NM_014466.3 (MANE Select); coding-DNA position 1086, A replaced by C.
Protein change: p.Ala362=; no amino-acid change (alanine 362 retained).
Molecular consequence: synonymous variant.
Genome position (GRCh38, 1-based): chr1:36,087,979, A>C. VCF-style: chr1-36087979-A-C. GRCh37 (hg19) VCF-style: chr1-36553580-A-C.
Identifiers: ClinVar variation 2638664 (VCV002638664.24), dbSNP rs2524672028, ClinGen allele CA417170665.
Genomic context (GRCh38, chr1:36,087,979, plus strand): 5'-GCCCAGGCCTCCCAGCCTCATGGGGGCTGGGGGGTTGTCAATGTCCTTCCCTAGGGACGC[A>C]CTGGACGCCCTGTGCAAGCACCTGGCCCGGCTGCAGGCTGACATTGCCTGCAAGGCCAAC-3'
Protein context (NP_055281.2, residues 352-372): LKQKLAQAQD[Ala362=]LDALCKHLAR